The following is an entry in ClinVar:

ClinVar aggregate classification (germline): Uncertain significance (1 of 4 stars; one submission).

Allele frequency attached by ClinVar (database versions not stated): gnomAD 0.00001.
gnomAD v4.1: 1 of 1,613,772 alleles (0.000062%); highest among the groups gnomAD compares: South Asian, 0.0011%; no homozygotes.

Submission:

Labcorp Genetics (formerly Invitae), Labcorp
Classification: Uncertain significance. Last evaluated: 2024-01-16. Review status: criteria provided, single submitter. Criteria: Invitae Variant Classification Sherloc (09022015). Collection method: clinical testing. Allele origin: germline.
Comment: This sequence change replaces alanine, which is neutral and non-polar, with glycine, which is neutral and non-polar, at codon 1495 of the ROBO1 protein (p.Ala1495Gly). This variant is not present in population databases (gnomAD no frequency). This variant has not been reported in the literature in individuals affected with ROBO1-related conditions. Advanced modeling of protein sequence and biophysical properties (such as structural, functional, and spatial information, amino acid conservation, physicochemical variation, residue mobility, and thermodynamic stability) performed at Invitae indicates that this missense variant is not expected to disrupt ROBO1 protein function with a negative predictive value of 95%. In summary, the available evidence is currently insufficient to determine the role of this variant in disease. Therefore, it has been classified as a Variant of Uncertain Significance.

NM_002941.4(ROBO1):c.4484C>G (p.Ala1495Gly)

Gene: ROBO1 (roundabout guidance receptor 1; minus strand). Cytogenetic location: 3p12.3.
Variant type: single nucleotide variant.
Coding change: c.4484C>G on transcript NM_002941.4 (MANE Select); coding-DNA position 4484, C replaced by G.
Protein change: p.Ala1495Gly; replaces alanine 1495 with glycine.
Molecular consequence: missense variant.
Genome position (GRCh38, 1-based): chr3:78,606,993, G>C on the plus strand (C>G on the coding strand, the complement: ROBO1 is on the minus strand). VCF-style: chr3-78606993-G-C. GRCh37 (hg19) VCF-style: chr3-78656143-G-C.
Other names: c.4349C>G, p.Ala1450Gly (NM_001145844.1, NM_133631.4); c.4184C>G, p.Ala1395Gly (NM_001145845.2); short protein forms A1395G, A1450G, A1495G.
Identifiers: ClinVar variation 2778428 (VCV002778428.3), dbSNP rs1575764347, ClinGen allele CA353683692.